The following is an entry in ClinVar:

NM_014671.3(UBE3C):c.1143+9C>T

Gene: UBE3C (ubiquitin protein ligase E3C; plus strand). Cytogenetic location: 7q36.3.
Variant type: single nucleotide variant.
Coding change: c.1143+9C>T on transcript NM_014671.3 (MANE Select); 9 bases into the intron after coding-DNA position 1143, C replaced by T.
Molecular consequence: intron variant.
Genome position (GRCh38, 1-based): chr7:157,184,038, C>T. VCF-style: chr7-157184038-C-T. GRCh37 (hg19) VCF-style: chr7-156976732-C-T.
Identifiers: ClinVar variation 3042229 (VCV003042229.2), dbSNP rs371072828, ClinGen allele CA4589722.

ClinVar aggregate classification (germline): Likely benign (0 of 4 stars; one submission).

Conditions:
UBE3C-related disorder. Also called: UBE3C-related condition.

Allele frequency attached by ClinVar (database versions not stated): gnomAD 0.00006; TOPMed 0.00008; ExAC 0.00012; 1000 Genomes Project 0.00020; ESP Exome Variant Server 0.00023; 1000 Genomes Project 30x 0.00031.
gnomAD v4.1: 93 of 1,612,968 alleles (0.0058%); highest among the groups gnomAD compares: East Asian, 0.0067%; no homozygotes.

Submission:

PreventionGenetics, part of Exact Sciences
Classification: Likely benign for UBE3C-related condition. Last evaluated: 2020-01-02. Review status: no assertion criteria provided. Collection method: clinical testing. Allele origin: germline.
Comment: This variant is classified as likely benign based on ACMG/AMP sequence variant interpretation guidelines (Richards et al. 2015 PMID: 25741868, with internal and published modifications).